The following is an entry in ClinVar:

ClinVar aggregate classification (germline): Uncertain significance. Review status: criteria provided, multiple submitters, no conflicts (2 of 4 stars). 2 submissions from 2 submitters: Uncertain significance (2). Last evaluated 2025-07-09.

Conditions:
Cardiovascular phenotype. Identifiers: MedGen CN230736.
Arrhythmogenic right ventricular dysplasia 12. Also called: ARRHYTHMOGENIC RIGHT VENTRICULAR DYSPLASIA, FAMILIAL, 12. Identifiers: MedGen C1969081, MONDO:0012684, OMIM 611528.
Naxos disease (NXD). Also called: MAL DE NAXOS; PALMOPLANTAR KERATODERMA WITH ARRHYTHMOGENIC RIGHT VENTRICULAR CARDIOMYOPATHY AND WOOLLY HAIR; KERATOSIS PALMOPLANTARIS WITH ARRHYTHMOGENIC CARDIOMYOPATHY; WOOLLY HAIR, PALMOPLANTAR KERATODERMA, AND CARDIAC ABNORMALITIES; CARDIOMYOPATHY, ARRHYTHMOGENIC RIGHT VENTRICULAR, WITH SKIN, HAIR, AND NAIL ABNORMALITIES. Identifiers: Orphanet 34217, MedGen C1832600, MONDO:0011017, OMIM 601214.

Allele frequency attached by ClinVar (database versions not stated): gnomAD exomes below 0.00001; gnomAD 0.00002; TOPMed 0.00004.
gnomAD v4.1: 5 of 1,603,086 alleles (0.00031%); highest among the groups gnomAD compares: Admixed American, 0.005%; no homozygotes.

Submissions (2):

Labcorp Genetics (formerly Invitae), Labcorp
Classification: Uncertain significance for Arrhythmogenic right ventricular dysplasia 12; Naxos disease. Last evaluated: 2025-07-09. Review status: criteria provided, single submitter. Criteria: Invitae Variant Classification Sherloc (09022015). Collection method: clinical testing. Allele origin: germline.
Comment: This sequence change replaces glutamine, which is neutral and polar, with glutamic acid, which is acidic and polar, at codon 168 of the JUP protein (p.Gln168Glu). This variant is present in population databases (no rsID available, gnomAD 0.01%). This variant has not been reported in the literature in individuals affected with JUP-related conditions. ClinVar contains an entry for this variant (Variation ID: 1064162). An algorithm developed to predict the effect of missense changes on protein structure and function (PolyPhen-2) suggests that this variant is likely to be tolerated. In summary, the available evidence is currently insufficient to determine the role of this variant in disease. Therefore, it has been classified as a Variant of Uncertain Significance.

Ambry Genetics
Classification: Uncertain significance for Cardiovascular phenotype. Last evaluated: 2022-03-23. Review status: criteria provided, single submitter. Criteria: Ambry Variant Classification Scheme 2023. Collection method: clinical testing. Allele origin: germline.
Comment: The p.Q168E variant (also known as c.502C>G), located in coding exon 3 of the JUP gene, results from a C to G substitution at nucleotide position 502. The glutamine at codon 168 is replaced by glutamic acid, an amino acid with highly similar properties. This amino acid position is conserved. In addition, the in silico prediction for this alteration is inconclusive. Since supporting evidence is limited at this time, the clinical significance of this alteration remains unclear.

NM_002230.4(JUP):c.502C>G (p.Gln168Glu)

Gene: JUP (junction plakoglobin; minus strand). Cytogenetic location: 17q21.2.
Variant type: single nucleotide variant.
Coding change: c.502C>G on transcript NM_002230.4 (MANE Select); coding-DNA position 502, C replaced by G.
Protein change: p.Gln168Glu; replaces glutamine 168 with glutamic acid.
Molecular consequence: missense variant.
Genome position (GRCh38, 1-based): chr17:41,769,174, G>C on the plus strand (C>G on the coding strand, the complement: JUP is on the minus strand). VCF-style: chr17-41769174-G-C. GRCh37 (hg19) VCF-style: chr17-39925426-G-C.
Other names: c.502C>G, p.Gln168Glu (NM_001352773.2, NM_001352774.2, NM_001352775.2 and 3 more transcripts); short protein forms Q168E.
Identifiers: ClinVar variation 1064162 (VCV001064162.7), dbSNP rs1322804388, ClinGen allele CA399503541.
Genomic context (GRCh38, chr17:41,769,174, plus strand): 5'-CGGCCACCAGCTGGGGCGAGCCCATCAGGGCCCGCCGCGACGCCTCCTTCTTCGACAGCT[G>C]GTTCACAATCATGGCCGCCTTGGTCACCACCACCTGGAGGGCAAAGGCAGGGGCGGGGAC-3'
Protein context (NP_002221.1, residues 158-178): VVTKAAMIVN[Gln168Glu]LSKKEASRRA